The following is an entry in ClinVar:

ClinVar aggregate classification (germline): Uncertain significance (1 of 4 stars; one submission).

Allele frequency attached by ClinVar (database versions not stated): gnomAD exomes below 0.00001; TOPMed below 0.00001; gnomAD 0.00001.
gnomAD v4.1: 6 of 1,613,970 alleles (0.00037%); highest among the groups gnomAD compares: Non-Finnish European, 0.00042%; no homozygotes.

Submission:

Labcorp Genetics (formerly Invitae), Labcorp
Classification: Uncertain significance. Last evaluated: 2021-12-08. Review status: criteria provided, single submitter. Criteria: Invitae Variant Classification Sherloc (09022015). Collection method: clinical testing. Allele origin: germline.
Comment: This sequence change replaces serine, which is neutral and polar, with threonine, which is neutral and polar, at codon 165 of the SLC26A4 protein (p.Ser165Thr). This variant is not present in population databases (gnomAD no frequency). This variant has not been reported in the literature in individuals affected with SLC26A4-related conditions. Advanced modeling of protein sequence and biophysical properties (such as structural, functional, and spatial information, amino acid conservation, physicochemical variation, residue mobility, and thermodynamic stability) performed at Invitae indicates that this missense variant is not expected to disrupt SLC26A4 protein function. In summary, the available evidence is currently insufficient to determine the role of this variant in disease. Therefore, it has been classified as a Variant of Uncertain Significance.

NM_000441.2(SLC26A4):c.494G>C (p.Ser165Thr)

Gene: SLC26A4 (solute carrier family 26 member 4; plus strand). Cytogenetic location: 7q22.3.
Variant type: single nucleotide variant.
Coding change: c.494G>C on transcript NM_000441.2 (MANE Select); coding-DNA position 494, G replaced by C.
Protein change: p.Ser165Thr; replaces serine 165 with threonine.
Molecular consequence: missense variant.
Genome position (GRCh38, 1-based): chr7:107,674,242, G>C. VCF-style: chr7-107674242-G-C. GRCh37 (hg19) VCF-style: chr7-107314687-G-C.
Other names: short protein forms S165T.
Identifiers: ClinVar variation 2147212 (VCV002147212.1), dbSNP rs1790954089, ClinGen allele CA368848078.